The following is an entry in ClinVar:

ClinVar aggregate classification (germline): Uncertain significance. Review status: criteria provided, multiple submitters, no conflicts (2 of 4 stars). 2 submissions from 2 submitters: Uncertain significance (2). Last evaluated 2024-08-28.

Allele frequency attached by ClinVar (database versions not stated): TOPMed 0.00001; gnomAD 0.00003; gnomAD exomes 0.00011; ExAC 0.00022.
gnomAD v4.1: 158 of 1,613,990 alleles (0.0098%); highest among the groups gnomAD compares: South Asian, 0.16%; 4 homozygotes.

Submissions (2):

GeneDx
Classification: Uncertain significance. Last evaluated: 2024-08-28. Review status: criteria provided, single submitter. Criteria: GeneDx Variant Classification Process June 2021. Collection method: clinical testing. Allele origin: germline. Affected: yes.
Comment: In silico analysis supports that this missense variant has a deleterious effect on protein structure/function; Has not been previously published as pathogenic or benign to our knowledge

Blueprint Genetics
Classification: Uncertain significance. Last evaluated: 2022-07-25. Review status: criteria provided, single submitter. Criteria: ACMG Guidelines, 2015. Collection method: clinical testing. Allele origin: germline.

NM_032656.4(DHX37):c.1355A>G (p.Tyr452Cys)

Gene: DHX37 (DEAH-box helicase 37; minus strand). Cytogenetic location: 12q24.31.
Variant type: single nucleotide variant.
Coding change: c.1355A>G on transcript NM_032656.4 (MANE Select); coding-DNA position 1355, A replaced by G.
Protein change: p.Tyr452Cys; replaces tyrosine 452 with cysteine.
Molecular consequence: missense variant.
Genome position (GRCh38, 1-based): chr12:124,968,587, T>C on the plus strand (A>G on the coding strand, the complement: DHX37 is on the minus strand). VCF-style: chr12-124968587-T-C. GRCh37 (hg19) VCF-style: chr12-125453133-T-C.
Other names: short protein forms Y452C.
Identifiers: ClinVar variation 2442483 (VCV002442483.3), dbSNP rs781633830, ClinGen allele CA6872062.